The following is an entry in ClinVar:

ClinVar aggregate classification (germline): Likely pathogenic. Review status: criteria provided, single submitter (1 of 4 stars). 2 submissions from 2 submitters: Likely pathogenic (1). 1 of the submissions does not count toward it. Last evaluated 2024-10-09.

Conditions:
Mitochondrial complex I deficiency, nuclear type 10. Also called: Mitochondrial complex 1 deficiency, nuclear type 10. Identifiers: MedGen C4748768, MONDO:0032616, OMIM 618233.
Cockayne syndrome type 1. Also called: Cockayne syndrome type I; Cockayne syndrome classical; Cockayne syndrome classic form. Identifiers: Orphanet 191, Orphanet 90321, MedGen C0751039, MONDO:0019569, OMIM 216400.

Submissions (2):

Victorian Clinical Genetics Services, Murdoch Childrens Research Institute
Classification: Likely pathogenic for Mitochondrial complex I deficiency, nuclear type 10. Last evaluated: 2024-10-09. Review status: criteria provided, single submitter. Criteria: ACMG Guidelines, 2015. Collection method: clinical testing. Allele origin: germline. Inheritance: Autosomal recessive inheritance. Affected: yes.
Comment: Based on the classification scheme VCGS_Germline_v1.3.4, this variant is classified as Likely pathogenic. Following criteria are met: 0102 - Loss of function is a known mechanism of disease in this gene and is associated with mitochondrial complex I deficiency, nuclear type 10 (MIM#618233). (I) 0106 - This gene is associated with autosomal recessive disease. (I) 0204 - Variant is predicted to result in a truncated protein (premature termination codon is located within the first 102 nucleotides of the coding sequence and is predicted to escape nonsense-mediated decay). (SP) 0251 - This variant is heterozygous. (I) 0304 - Variant is present in gnomAD <0.01 for a recessive condition (v2: 1 heterozygote, 0 homozygotes). (SP) 0703 - Other protein truncating variants comparable to the one identified in this case have moderate previous evidence for pathogenicity. A downstream protein truncating variant located within the 5' NMD-escape region, p.(Gln27*), has been classified as likely pathogenic by a clinical laboratory in ClinVar. Additionally, p.(Trp3*), which is also located in the 5' NMD-escape region, has been reported in a homozygous individual with Leigh disease with brainstem involvement in complex 1 deficiency (PMID: 20571988). (SP) 0809 - Previous evidence of pathogenicity for this variant is inconclusive. This variant has been classified as a VUS by a clinical laboratory in ClinVar, however, this entry does not provide evidence for their classification. (I) 0905 - No published segregation evidence has been identified for this variant. (I) 1007 - No published functional evidence has been identified for this variant. (I) Legend: (SP) - Supporting pathogenic, (I) - Information, (SB) - Supporting benign

Counsyl
Classification: Uncertain significance for Cockayne syndrome type 1. Last evaluated: 2018-05-10. Review status: no assertion criteria provided. Collection method: clinical testing. Allele origin: unknown. Not counted in ClinVar's aggregate classification.

Literature cited by the submitters: PubMed 20571988 (cited by Victorian Clinical Genetics Services, Murdoch Childrens Research Institute).

NM_174889.5(NDUFAF2):c.13C>T (p.Gln5Ter)

Genes: ERCC8 (ERCC excision repair 8, CSA ubiquitin ligase complex subunit; minus strand), NDUFAF2 (NADH:ubiquinone oxidoreductase complex assembly factor 2; plus strand). Cytogenetic location: 5q12.1.
Variant type: single nucleotide variant.
Coding change: c.13C>T on transcript NM_174889.5 (MANE Select); coding-DNA position 13, C replaced by T.
Protein change: p.Gln5Ter; replaces glutamine 5 with a stop codon.
Molecular consequence: nonsense.
Genome position (GRCh38, 1-based): chr5:60,945,268, C>T. VCF-style: chr5-60945268-C-T. GRCh37 (hg19) VCF-style: chr5-60241095-C-T.
Other names: short protein forms Q5*.
Identifiers: ClinVar variation 558212 (VCV000558212.5), dbSNP rs772489808, ClinGen allele CA359935477.
Genomic context (GRCh38, chr5:60,945,268, plus strand): 5'-CCTACTGCGGGTCCCGCTGCTGGCAGCGCTGGAAACTGGGTGGACGGCATGGGTTGGTCT[C>T]AGGATTTGTTCCGCGCCTTGTGGAGATCGCTGTCAAGGGAAGTGAAGGAGCACGTGGGCA-3'